The following is an entry in ClinVar:

NM_004656.4(BAP1):c.1052C>T (p.Thr351Ile)

Gene: BAP1 (BRCA1 associated deubiquitinase 1; minus strand). Cytogenetic location: 3p21.1.
Variant type: single nucleotide variant.
Coding change: c.1052C>T on transcript NM_004656.4 (MANE Select); coding-DNA position 1052, C replaced by T.
Protein change: p.Thr351Ile; replaces threonine 351 with isoleucine.
Molecular consequence: missense variant.
Genome position (GRCh38, 1-based): chr3:52,405,174, G>A on the plus strand (C>T on the coding strand, the complement: BAP1 is on the minus strand). VCF-style: chr3-52405174-G-A. GRCh37 (hg19) VCF-style: chr3-52439190-G-A.
Other names: short protein forms T351I.
Identifiers: ClinVar variation 579183 (VCV000579183.27), dbSNP rs1291142030, ClinGen allele CA353105717.

ClinVar aggregate classification (germline): Conflicting classifications of pathogenicity. Review status: criteria provided, conflicting classifications (1 of 4 stars). 6 submissions from 6 submitters: Uncertain significance (4); Likely benign (2). Last evaluated 2026-01-26.

Conditions:
Hereditary cancer-predisposing syndrome. Also called: Neoplastic Syndromes, Hereditary; Tumor predisposition; Hereditary neoplastic syndrome; Hereditary Cancer Syndrome. Identifiers: Orphanet 140162, MedGen C0027672, MeSH D009386, MONDO:0015356.
BAP1-related tumor predisposition syndrome (TPDS1). Also called: BAP1 tumor predisposition syndrome; TUMOR PREDISPOSITION SYNDROME 1; Tumor susceptibility linked to germline BAP1 mutations; COMMON Syndrome. Identifiers: Orphanet 289539, MedGen C3280492, MONDO:0013692, OMIM 614327.

Allele frequency attached by ClinVar (database versions not stated): gnomAD exomes 0.00001 and 0.00003; TOPMed below 0.00001; gnomAD 0.00001.

Submissions (6):

Labcorp Genetics (formerly Invitae), Labcorp
Classification: Uncertain significance for BAP1-related tumor predisposition syndrome. Last evaluated: 2026-01-26. Review status: criteria provided, single submitter. Criteria: Invitae Variant Classification Sherloc (09022015). Collection method: clinical testing. Allele origin: germline.
Comment: This sequence change replaces threonine, which is neutral and polar, with isoleucine, which is neutral and non-polar, at codon 351 of the BAP1 protein (p.Thr351Ile). This variant is present in population databases (no rsID available, gnomAD 0.002%). This variant has not been reported in the literature in individuals affected with BAP1-related conditions. ClinVar contains an entry for this variant (Variation ID: 579183). Invitae Evidence Modeling of protein sequence and biophysical properties (such as structural, functional, and spatial information, amino acid conservation, physicochemical variation, residue mobility, and thermodynamic stability) indicates that this missense variant is not expected to disrupt BAP1 protein function with a negative predictive value of 80%. In summary, the available evidence is currently insufficient to determine the role of this variant in disease. Therefore, it has been classified as a Variant of Uncertain Significance.

GeneDx
Classification: Uncertain significance. Last evaluated: 2025-03-20. Review status: criteria provided, single submitter. Criteria: GeneDx Variant Classification Process June 2021. Collection method: clinical testing. Allele origin: germline. Affected: yes.
Comment: Not observed at significant frequency in large population cohorts (gnomAD); In silico analysis indicates that this missense variant does not alter protein structure/function; Observed in an individual with essential thrombocythemia (PMID: 36031433); This variant is associated with the following publications: (PMID: 29618661, 36031433)

Color Diagnostics, LLC DBA Color Health
Classification: Uncertain significance for Hereditary cancer-predisposing syndrome. Last evaluated: 2025-01-28. Review status: criteria provided, single submitter. Criteria: ACMG Guidelines, 2015. Collection method: clinical testing. Allele origin: germline.
Comment: This missense variant replaces threonine with isoleucine at codon 351 of the BAP1 protein. Computational prediction suggests that this variant may not impact protein structure and function. To our knowledge, functional studies have not been reported for this variant. This variant has been reported in an individual affected with myeloproliferative neoplasm (PMID: 36031433). This variant has been identified in 3/251398 chromosomes in the general population by the Genome Aggregation Database (gnomAD). The available evidence is insufficient to determine the role of this variant in disease conclusively. Therefore, this variant is classified as a Variant of Uncertain Significance.

Myriad Genetics, Inc.
Classification: Likely benign for BAP1-related tumor predisposition syndrome. Last evaluated: 2024-07-15. Review status: criteria provided, single submitter. Criteria: Myriad Autosomal Dominant, Autosomal Recessive and X-Linked Classification Criteria (2023). Collection method: clinical testing. Allele origin: unknown.
Comment: This variant is considered likely benign. This variant has been observed at a population frequency that is significantly greater than expected given the associated disease prevalence and penetrance.

Baylor Genetics
Classification: Uncertain significance for BAP1-related tumor predisposition syndrome. Last evaluated: 2023-09-21. Review status: criteria provided, single submitter. Criteria: ACMG Guidelines, 2015. Collection method: clinical testing. Allele origin: unknown.

Ambry Genetics
Classification: Likely benign for Hereditary cancer-predisposing syndrome. Last evaluated: 2023-06-02. Review status: criteria provided, single submitter. Criteria: Ambry Variant Classification Scheme 2023. Collection method: clinical testing. Allele origin: germline.

Literature cited by the submitters: PubMed 36031433 (cited by Color Diagnostics, LLC DBA Color Health).